The following is an entry in ClinVar:

ClinVar aggregate classification (germline): Uncertain significance (1 of 4 stars; one submission).

Conditions:
Neuronal ceroid lipofuscinosis 11. Also called: GRN-Related Neuronal Ceroid-Lipofuscinosis. Identifiers: Orphanet 314629, Orphanet 79262, MedGen C3539123, MONDO:0013866, OMIM 614706.
GRN-related frontotemporal lobar degeneration with Tdp43 inclusions (FTD2). Also called: GRN Frontotemporal Dementia; FRONTOTEMPORAL DEMENTIA WITH TDP43 INCLUSIONS, GRN-RELATED; DEMENTIA, HEREDITARY DYSPHASIC DISINHIBITION; FRONTOTEMPORAL LOBAR DEGENERATION WITH UBIQUITIN-POSITIVE INCLUSIONS; FTLD-TDP, GRN-RELATED. Identifiers: Orphanet 100070, Orphanet 282, MedGen C1843792, MONDO:0011842, OMIM 607485. Disease mechanism: loss of function.

Submission:

Labcorp Genetics (formerly Invitae), Labcorp
Classification: Uncertain significance for Neuronal ceroid lipofuscinosis 11; GRN-related frontotemporal lobar degeneration with Tdp43 inclusions. Last evaluated: 2022-08-16. Review status: criteria provided, single submitter. Criteria: Invitae Variant Classification Sherloc (09022015). Collection method: clinical testing. Allele origin: germline.
Comment: In summary, the available evidence is currently insufficient to determine the role of this variant in disease. Therefore, it has been classified as a Variant of Uncertain Significance. Algorithms developed to predict the effect of missense changes on protein structure and function output the following: SIFT: "Tolerated"; PolyPhen-2: "Benign"; Align-GVGD: "Class C0". The alanine amino acid residue is found in multiple mammalian species, which suggests that this missense change does not adversely affect protein function. ClinVar contains an entry for this variant (Variation ID: 1515332). This variant has not been reported in the literature in individuals affected with GRN-related conditions. This variant is not present in population databases (gnomAD no frequency). This sequence change replaces valine, which is neutral and non-polar, with alanine, which is neutral and non-polar, at codon 500 of the GRN protein (p.Val500Ala).

NM_002087.4(GRN):c.1499T>C (p.Val500Ala)

Gene: GRN (granulin precursor; plus strand). Cytogenetic location: 17q21.31.
Variant type: single nucleotide variant.
Coding change: c.1499T>C on transcript NM_002087.4 (MANE Select); coding-DNA position 1499, T replaced by C.
Protein change: p.Val500Ala; replaces valine 500 with alanine.
Molecular consequence: missense variant.
Genome position (GRCh38, 1-based): chr17:44,352,426, T>C. VCF-style: chr17-44352426-T-C. GRCh37 (hg19) VCF-style: chr17-42429794-T-C.
Other names: short protein forms V500A.
Identifiers: ClinVar variation 1515332 (VCV001515332.8), dbSNP rs1256051695, ClinGen allele CA399770116.
Genomic context (GRCh38, chr17:44,352,426, plus strand): 5'-ACTGCTGCCCGGCTGGCTACACCTGCAACGTGAAGGCTCGATCCTGCGAGAAGGAAGTGG[T>C]CTCTGCCCAGCCTGCCACCTTCCTGGCCCGTAGCCCTCACGTGGGTGTGAAGGACGTGGA-3'
Protein context (NP_002078.1, residues 490-510): VKARSCEKEV[Val500Ala]SAQPATFLAR